The following is an entry in ClinVar:

ClinVar aggregate classification (germline): Pathogenic. Review status: criteria provided, single submitter (1 of 4 stars). 2 submissions from 2 submitters: Pathogenic (1). 1 of the submissions does not count toward it. Last evaluated 2019-07-25.

Conditions:
Inflammatory bowel disease 25. Also called: Inflammatory bowel disease 25, early onset, autosomal recessive. Identifiers: Orphanet 238569, MedGen C2675508, MONDO:0012941, OMIM 612567.

Submissions (2):

Labcorp Genetics (formerly Invitae), Labcorp
Classification: Pathogenic for Inflammatory bowel disease 25, autosomal recessive. Last evaluated: 2019-07-25. Review status: criteria provided, single submitter. Criteria: Invitae Variant Classification Sherloc (09022015). Collection method: clinical testing. Allele origin: germline.
Comment: This sequence change creates a premature translational stop signal (p.Trp159*) in the IL10RB gene. It is expected to result in an absent or disrupted protein product. This variant is not present in population databases (ExAC no frequency). This variant has been observed to segregate with IL10RB-related disease in one family (PMID: 19890111) and has been observed in additional individuals with IL10RB-related disease (PMID: 25373860, 27699073). ClinVar contains an entry for this variant (Variation ID: 16924). This variant has been reported to affect IL10RB protein function in patient derived cells (PMID: 19890111). Loss-of-function variants in IL10RB are known to be pathogenic (PMID: 22549091). For these reasons, this variant has been classified as Pathogenic.

OMIM
Classification: Pathogenic for INFLAMMATORY BOWEL DISEASE 25. Last evaluated: 2009-11-19. Review status: no assertion criteria provided. Collection method: literature only. Allele origin: germline. Not counted in ClinVar's aggregate classification.

Literature cited by the submitters: PubMed 25373860 (cited by Labcorp Genetics (formerly Invitae), Labcorp); PubMed 27699073 (cited by Labcorp Genetics (formerly Invitae), Labcorp); PubMed 19890111 (cited by Labcorp Genetics (formerly Invitae), Labcorp and OMIM).

NM_000628.5(IL10RB):c.477G>A (p.Trp159Ter)

Genes: IFNAR2-IL10RB (IFNAR2-IL10RB readthrough; plus strand), IL10RB (interleukin 10 receptor subunit beta; plus strand). Cytogenetic location: 21q22.11.
Variant type: single nucleotide variant.
Coding change: c.477G>A on transcript NM_000628.5 (MANE Select); coding-DNA position 477, G replaced by A.
Protein change: p.Trp159Ter; replaces tryptophan 159 with a stop codon.
Molecular consequence: nonsense.
Genome position (GRCh38, 1-based): chr21:33,279,897, G>A. VCF-style: chr21-33279897-G-A. GRCh37 (hg19) VCF-style: chr21-34652202-G-A.
Other names: short protein forms W159*.
Identifiers: ClinVar variation 16924 (VCV000016924.2), dbSNP rs121909601, ClinGen allele CA126979.
Genomic context (GRCh38, chr21:33,279,897, plus strand): 5'-ATACGAAACTTGGACTATGAAGAATGTGTATAACTCATGGACTTATAATGTGCAATACTG[G>A]AAAAACGGTACTGATGAAAAGGTAAGGTTGGCTAATTGCATTTCAGAGGTAGTAGGCTTT-3'